The following is an entry in ClinVar:

ClinVar aggregate classification (germline): Uncertain significance (1 of 4 stars; one submission).

Conditions:
Hereditary cancer-predisposing syndrome. Also called: Neoplastic Syndromes, Hereditary; Hereditary neoplastic syndrome; Tumor predisposition; Hereditary Cancer Syndrome. Identifiers: Orphanet 140162, MedGen C0027672, MeSH D009386, MONDO:0015356.

Submission:

Ambry Genetics
Classification: Uncertain significance for Hereditary cancer-predisposing syndrome. Last evaluated: 2022-12-30. Review status: criteria provided, single submitter. Criteria: Ambry Variant Classification Scheme 2023. Collection method: clinical testing. Allele origin: germline.
Comment: The p.W393C variant (also known as c.1179G>T), located in coding exon 8 of the ATM gene, results from a G to T substitution at nucleotide position 1179. The tryptophan at codon 393 is replaced by cysteine, an amino acid with highly dissimilar properties. This amino acid position is highly conserved in available vertebrate species. In addition, the in silico prediction for this alteration is inconclusive. Since supporting evidence is limited at this time, the clinical significance of this alteration remains unclear.

NM_000051.4(ATM):c.1179G>T (p.Trp393Cys)

Gene: ATM (ATM serine/threonine kinase; plus strand). Cytogenetic location: 11q22.3.
Variant type: single nucleotide variant.
Coding change: c.1179G>T on transcript NM_000051.4 (MANE Select); coding-DNA position 1179, G replaced by T.
Protein change: p.Trp393Cys; replaces tryptophan 393 with cysteine.
Molecular consequence: missense variant.
Genome position (GRCh38, 1-based): chr11:108,249,046, G>T. VCF-style: chr11-108249046-G-T. GRCh37 (hg19) VCF-style: chr11-108119773-G-T.
Other names: c.1179G>T, p.Trp393Cys (NM_001351834.2); short protein forms W393C.
Identifiers: ClinVar variation 2453940 (VCV002453940.2), dbSNP rs876658567, ClinGen allele CA382532543.